The following is an entry in ClinVar:

NM_001267550.2(TTN):c.54518C>A (p.Pro18173Gln)

Genes: TTN (titin; minus strand), TTN-AS1 (TTN antisense RNA 1; plus strand). Cytogenetic location: 2q31.2.
Variant type: single nucleotide variant.
Coding change: c.54518C>A on transcript NM_001267550.2 (MANE Select); coding-DNA position 54518, C replaced by A.
Protein change: p.Pro18173Gln; replaces proline 18173 with glutamine.
Molecular consequence: missense variant.
Genome position (GRCh38, 1-based): chr2:178,604,169, G>T on the plus strand (C>A on the coding strand, the complement: TTN is on the minus strand). VCF-style: chr2-178604169-G-T. GRCh37 (hg19) VCF-style: chr2-179468896-G-T.
Other names: p.P16532Q:CCA>CAA; c.49595C>A, p.Pro16532Gln (NM_001256850.1); c.27323C>A, p.Pro9108Gln (NM_003319.4); c.46814C>A, p.Pro15605Gln (NM_133378.4); c.27698C>A, p.Pro9233Gln (NM_133432.3); c.27899C>A, p.Pro9300Gln (NM_133437.4); short protein forms P16532Q, P18173Q, P15605Q, P9108Q, P9233Q, P9300Q.
Identifiers: ClinVar variation 202715 (VCV000202715.9), dbSNP rs794729458, ClinGen allele CA310067.
Genomic context (GRCh38, chr2:178,604,169, plus strand): 5'-TTGTCCAAAGGAGGAGTCCAGCTCACTAGCATTGATCCTTTGGTGCGTGCCAAAACTTTT[G>T]GTTTTCCTGGAGGTCCAGGAAGGCGATAAGGATCTTGAATGACTACTTTATCTGATTTGC-3'
Protein context (NP_001254479.2, residues 18163-18183): PYRLPGPPGK[Pro18173Gln]KVLARTKGSM

ClinVar aggregate classification (germline): Uncertain significance. Review status: criteria provided, multiple submitters, no conflicts (2 of 4 stars). 6 submissions from 6 submitters: Uncertain significance (6). Last evaluated 2026-02-19.

Conditions:
TTN-related disorder. Also called: TTN-related condition; TTN-related disease; TTN-related disorders.
Dilated cardiomyopathy 1G (CMD1G). Identifiers: Orphanet 154, MedGen C1858763, MONDO:0011400, OMIM 604145.
Autosomal recessive limb-girdle muscular dystrophy type 2J (LGMDR10). Also called: Limb-girdle muscular dystrophy, type 2J; MUSCULAR DYSTROPHY, LIMB-GIRDLE, AUTOSOMAL RECESSIVE 10. Identifiers: Orphanet 140922, MedGen C1837342, MONDO:0012127, OMIM 608807.
Early-onset myopathy with fatal cardiomyopathy (CMYO5). Also called: Salih Myopathy; CONGENITAL MYOPATHY 5 WITH CARDIOMYOPATHY. Identifiers: Orphanet 289377, MedGen C2673677, MONDO:0012714, OMIM 611705. Disease mechanism: loss of function.
Tibial muscular dystrophy (TMD). Also called: Tibial muscular dystrophy, tardive; Udd Distal Myopathy – Tibial Muscular Dystrophy; UDD MYOPATHY. Identifiers: Orphanet 609, MedGen C1838244, MONDO:0010870, OMIM 600334.
Myopathy, myofibrillar, 9, with early respiratory failure (MFM9). Also called: Myopathy, distal, with early respiratory failure, autosomal dominant; MYOPATHY, PROXIMAL, WITH EARLY RESPIRATORY MUSCLE INVOLVEMENT; Hereditary myopathy with early respiratory failure; EDSTROM MYOPATHY. Identifiers: Orphanet 178464, Orphanet 34521, MedGen C1863599, MONDO:0011362, OMIM 603689.
Hypertrophic cardiomyopathy 9. Also called: Familial hypertrophic cardiomyopathy 9. Identifiers: MedGen C1861065, MONDO:0013412, OMIM 613765.
Cardiomyopathy (CMYO). Also called: Cardiomyopathies. Identifiers: Orphanet 167848, MedGen C0878544, MONDO:0004994, HP:0001638. Inheritance: Various modes of inheritance.

Allele frequency attached by ClinVar (database versions not stated): gnomAD exomes below 0.00001; gnomAD 0.00005 and 0.00006; TOPMed 0.00006.

Submissions (6):

PreventionGenetics, part of Exact Sciences
Classification: Uncertain significance for TTN-related condition. Last evaluated: 2026-02-19. Review status: criteria provided, single submitter. Criteria: ACMG Guidelines, 2015. Collection method: clinical testing. Allele origin: germline.
Comment: The TTN c.54518C>A variant is predicted to result in the amino acid substitution p.Pro18173Gln. To our knowledge, this variant has not been reported in the literature. This variant is reported in 0.00089% of alleles in individuals of European (Non-Finnish) descent in gnomAD. At this time, the clinical significance of this variant is uncertain due to the absence of conclusive functional and genetic evidence.

Fulgent Genetics
Classification: Uncertain significance for Tibial muscular dystrophy; Myopathy, myofibrillar, 9, with early respiratory failure; Dilated cardiomyopathy 1G; Autosomal recessive limb-girdle muscular dystrophy type 2J; Early-onset myopathy with fatal cardiomyopathy; Hypertrophic cardiomyopathy 9. Last evaluated: 2021-07-21. Review status: criteria provided, single submitter. Criteria: ACMG Guidelines, 2015. Collection method: clinical testing. Allele origin: unknown.

New York Genome Center
Classification: Uncertain significance. Last evaluated: 2020-12-22. Review status: criteria provided, single submitter. Criteria: NYGC Assertion Criteria 2020. Collection method: clinical testing. Allele origin: germline. Observed: 1 variant allele.

GeneDx
Classification: Uncertain significance. Last evaluated: 2019-06-13. Review status: criteria provided, single submitter. Criteria: GeneDx Variant Classification Process June 2021. Collection method: clinical testing. Allele origin: germline. Affected: yes.

CHEO Genetics Diagnostic Laboratory, Children's Hospital of Eastern Ontario
Classification: Uncertain significance for Cardiomyopathy. Last evaluated: 2019-04-05. Review status: criteria provided, single submitter. Criteria: ACMG Guidelines, 2015. Collection method: clinical testing. Allele origin: germline.

Labcorp Genetics (formerly Invitae), Labcorp
Classification: Uncertain significance for Dilated cardiomyopathy 1G; Autosomal recessive limb-girdle muscular dystrophy type 2J. Last evaluated: 2017-06-16. Review status: criteria provided, single submitter. Criteria: Invitae Variant Classification Sherloc (09022015). Collection method: clinical testing. Allele origin: germline.